The following is an entry in ClinVar:

NM_015443.4(KANSL1):c.315G>A (p.Gln105=)

Gene: KANSL1 (KAT8 regulatory NSL complex subunit 1). Cytogenetic location: 17q21.31.
Variant type: single nucleotide variant.
Coding change: c.315G>A on transcript NM_015443.4 (MANE Select); coding-DNA position 315, G replaced by A.
Protein change: p.Gln105=; no amino-acid change (glutamine 105 retained).
Molecular consequence: synonymous variant.
Genome position (GRCh38, 1-based): chr17:46,171,829, C>T on the plus strand (G>A on the coding strand, the complement: KANSL1 is on the minus strand). VCF-style: chr17-46171829-C-T. GRCh37 (hg19) VCF-style: chr17-44249195-C-T.
Other names: c.315G>A, p.Gln105= (NM_001193465.2, NM_001193466.2, NM_001379198.1).
Identifiers: ClinVar variation 510624 (VCV000510624.8), dbSNP rs761904417, ClinGen allele CA8619072.
Genomic context (GRCh38, chr17:46,171,829, plus strand): 5'-CAACAGCTCAGCTCGGAGTTCATAGGACTGAGATAAGAGAGGATGAGATTTAAGGACTGT[C>T]TGCTTGCTGAAGACCCCTTGCAACTTCAAAGACTCCTTTGAGGGAACAGATGTTACATCA-3'
Protein context (NP_056258.1, residues 95-115): SLKLQGVFSK[Gln105=]TVLKSHPLLS

ClinVar aggregate classification (germline): Likely benign. Review status: criteria provided, multiple submitters, no conflicts (2 of 4 stars). 2 submissions from 2 submitters: Likely benign (2). Last evaluated 2021-05-12.

Conditions:
Koolen-de Vries syndrome (KDVS). Identifiers: Orphanet 96169, MedGen C1864871, MONDO:0012496, OMIM 610443.

Allele frequency attached by ClinVar (database versions not stated): gnomAD exomes below 0.00001; ExAC 0.00001.
gnomAD v4.1: 7 of 1,614,206 alleles (0.00043%); highest among the groups gnomAD compares: Non-Finnish European, 0.00059%; no homozygotes.

Submissions (2):

Labcorp Genetics (formerly Invitae), Labcorp
Classification: Likely benign for Koolen-de Vries syndrome. Last evaluated: 2021-05-12. Review status: criteria provided, single submitter. Criteria: Invitae Variant Classification Sherloc (09022015). Collection method: clinical testing. Allele origin: germline.

GeneDx
Classification: Likely benign. Last evaluated: 2017-07-06. Review status: criteria provided, single submitter. Criteria: GeneDx Variant Classification (06012015). Collection method: clinical testing. Allele origin: germline. Affected: yes.
Comment: This variant is considered likely benign or benign based on one or more of the following criteria: it is a conservative change, it occurs at a poorly conserved position in the protein, it is predicted to be benign by multiple in silico algorithms, and/or has population frequency not consistent with disease.